The following is an entry in ClinVar:

NM_000318.3(PEX2):c.183G>A (p.Trp61Ter)

Gene: PEX2 (peroxisomal biogenesis factor 2; minus strand). Cytogenetic location: 8q21.13.
Variant type: single nucleotide variant.
Coding change: c.183G>A on transcript NM_000318.3 (MANE Select); coding-DNA position 183, G replaced by A.
Protein change: p.Trp61Ter; replaces tryptophan 61 with a stop codon.
Molecular consequence: nonsense.
Genome position (GRCh38, 1-based): chr8:76,983,996, C>T on the plus strand (G>A on the coding strand, the complement: PEX2 is on the minus strand). VCF-style: chr8-76983996-C-T. GRCh37 (hg19) VCF-style: chr8-77896232-C-T.
Other names: c.183G>A (NM_000318.2); c.183G>A, p.Trp61Ter (NM_001079867.2, NM_001172086.2, NM_001172087.2); short protein forms W61*.
Identifiers: ClinVar variation 2677672 (VCV002677672.4), dbSNP rs1806926984, ClinGen allele CA371557915.
Genomic context (GRCh38, chr8:76,983,996, plus strand): 5'-CAAAACTGACTGTCCCACTGTGGCATTTTTGGAGTAGATGGTGAATCTCCACAAGAAAAC[C>T]CATAAGCACGCTTTCACCTCTGGCTCAAAGCGAGCTAACAGCCCAGGTTTAAATCCATGA-3'

ClinVar aggregate classification (germline): Pathogenic/Likely pathogenic. Review status: criteria provided, multiple submitters, no conflicts (2 of 4 stars). 2 submissions from 2 submitters: Pathogenic (1); Likely pathogenic (1). Last evaluated 2023-12-05.

Conditions:
Peroxisome biogenesis disorder 5A (Zellweger) (PBD5A). Identifiers: Orphanet 912, MedGen C3553940, MONDO:0013932, OMIM 614866.

Allele frequency attached by ClinVar (database versions not stated): gnomAD 0.00001; gnomAD exomes 0.00001.
gnomAD v4.1: 4 of 1,613,932 alleles (0.00025%); highest among the groups gnomAD compares: Non-Finnish European, 0.00034%; no homozygotes.

Submissions (2):

Labcorp Genetics (formerly Invitae), Labcorp
Classification: Pathogenic for Peroxisome biogenesis disorder 5A (Zellweger). Last evaluated: 2023-12-05. Review status: criteria provided, single submitter. Criteria: Invitae Variant Classification Sherloc (09022015). Collection method: clinical testing. Allele origin: germline.
Comment: This sequence change creates a premature translational stop signal (p.Trp61*) in the PEX2 gene. While this is not anticipated to result in nonsense mediated decay, it is expected to disrupt the last 245 amino acid(s) of the PEX2 protein. This variant is not present in population databases (gnomAD no frequency). This variant has not been reported in the literature in individuals affected with PEX2-related conditions. This variant disrupts a region of the PEX2 protein in which other variant(s) (p.Lys215Serfs*2) have been determined to be pathogenic (PMID: 10652207; Invitae). This suggests that this is a clinically significant region of the protein, and that variants that disrupt it are likely to be disease-causing. For these reasons, this variant has been classified as Pathogenic.

Baylor Genetics
Classification: Likely pathogenic for Peroxisome biogenesis disorder 5A (Zellweger). Last evaluated: 2023-04-10. Review status: criteria provided, single submitter. Criteria: ACMG Guidelines, 2015. Collection method: clinical testing. Allele origin: unknown.

Literature cited by the submitters: PubMed 10652207 (cited by Labcorp Genetics (formerly Invitae), Labcorp).